The following is an entry in ClinVar:

ClinVar aggregate classification (germline): Conflicting classifications of pathogenicity; other. Review status: criteria provided, conflicting classifications (1 of 4 stars). 15 submissions from 15 submitters: Pathogenic (1); Uncertain significance (6); Benign (3). 4 of the submissions do not count toward it. Last evaluated 2026-09-01.

Conditions:
AMPD1-related disorder. Also called: AMPD1-related condition.
Muscle AMP deaminase deficiency (MMDD). Also called: Adenosine monophosphate deaminase 1 deficiency; AMP deaminase 1 deficiency; Adenosine Monophosphate Deaminase 1; ADENOSINE MONOPHOSPHATE DEAMINASE-1 DEFICIENCY, MYOPATHY DUE TO; AMPD1 DEFICIENCY; Myoadenylate deaminase deficiency, myopathy due to. Identifiers: Orphanet 45, MedGen C3714933, MONDO:0014220, OMIM 615511.

Allele frequency attached by ClinVar (database versions not stated): 1000 Genomes Project 0.03814; TOPMed 0.07788; 1000 Genomes Project 30x 0.03935; gnomAD exomes 0.08604 and 0.10935; gnomAD 0.08701 and 0.08472; ExAC 0.08714.
gnomAD v4.1: 170,616 of 1,600,304 alleles (11%); highest among the groups gnomAD compares: Non-Finnish European, 13%; 10,624 homozygotes.

Submissions 1 to 12 of 15:

CeGaT Center for Human Genetics Tuebingen
Classification: Benign. Last evaluated: 2026-09-01. Review status: criteria provided, single submitter. Criteria: CeGaT Center For Human Genetics Tuebingen Variant Classification Criteria Version 2. Collection method: clinical testing. Allele origin: germline. Affected: yes. Observed: 225 variant alleles.
Comment: AMPD1: BS1, BS2

Women's Health and Genetics/Laboratory Corporation of America, LabCorp
Classification: Uncertain significance. Last evaluated: 2026-03-13. Review status: criteria provided, single submitter. Criteria: LabCorp Variant Classification Summary - May 2015. Collection method: clinical testing. Allele origin: germline.
Comment: Variant summary: AMPD1 c.34C>T (p.Gln12X) results in a premature termination codon, predicted to cause a truncation of the encoded protein or absence of the protein due to nonsense mediated decay, however current evidence is not sufficient to establish loss of function as a mechanism for disease. The variant allele was found at a frequency of 0.086 in 251114 control chromosomes, predominantly at a frequency of 0.13 within the Non-Finnish European subpopulation in the gnomAD database, including 986 homozygotes. The observed variant frequency within Non-Finnish European control individuals in the gnomAD database exceeds the estimated maximal expected allele frequency for disease-causing variants in AMPD1. c.34C>T has been observed in multiple multiple homozygous and heterozygous individuals affected with Muscle AMP Deaminase Deficiency (Morisaki_1992, Rannou_2017), without strong evidence for causality. Functional studies report experimental evidence evaluating an impact on protein function and this variant results in moderately decreased AMPD activity (Morisaki_1992, Kalsi_2003, Rannou_2017). The following publications have been ascertained in the context of this evaluation (PMID: 18619730, 14499869, 1631143, 29095874). ClinVar contains an entry for this variant (Variation ID: 18271). Based on the evidence outlined above, the variant was classified as uncertain significance.

GeneDx
Classification: Uncertain significance. Last evaluated: 2025-06-10. Review status: criteria provided, single submitter. Criteria: GeneDx Variant Classification Process June 2021. Collection method: clinical testing. Allele origin: germline. Affected: yes.
Comment: Nonsense variant predicted to result in protein truncation or nonsense mediated decay in a gene for which loss of function is a known mechanism of disease; Also known as p.(Q12*); This variant is associated with the following publications: (PMID: 21686757, 29143670, 29095874, 25525159, 8335021, 32596782, 32483371, 33250842, 15239633, 15378456, 14499869, 23300193, 16021918, 18855224, 1631143, 12117480, 21343608, 10918252, 29422864, 29749052, 30429902, 28751290, 30837873, 31867206, 32379996, 24508110, 35309536, 33879512, 35821574, 36112609, 32639377, 18619730, 38744035, 39125881, 39125391, 1922051, 39794365)

Laboratory of Genetics, Children's Clinical University Hospital Latvia
Classification: Benign. Last evaluated: 2025-02-16. Review status: criteria provided, single submitter. Criteria: ACMG Guidelines, 2015. Collection method: clinical testing. Allele origin: germline. Affected: yes.

Blueprint Genetics
Classification: Uncertain significance. Last evaluated: 2024-11-26. Review status: criteria provided, single submitter. Criteria: ACMG Guidelines, 2015. Collection method: clinical testing. Allele origin: germline.

Labcorp Genetics (formerly Invitae), Labcorp
Classification: Uncertain significance for Muscle AMP deaminase deficiency. Last evaluated: 2022-11-02. Review status: criteria provided, single submitter. Criteria: Invitae Variant Classification Sherloc (09022015). Collection method: clinical testing. Allele origin: germline.
Comment: This sequence change creates a premature translational stop signal (p.Gln45*) in the AMPD1 gene. However, alternative splicing may rescue certain truncations, particularly those occurring in exon 2 (PMID: 1922051). It is expected to result in an absent or disrupted protein product. However, the current clinical and genetic evidence is not sufficient to establish whether loss-of-function variants in AMPD1 cause disease. This variant is present in population databases (rs17602729, gnomAD 13%), and has an allele count higher than expected for a pathogenic variant. This premature translational stop signal has been observed in individual(s) with adenosine monophosphate deaminase deficiency (PMID: 1631143, 8335021, 15378456, 21343608). It has also been observed to segregate with disease in related individuals. This variant is also known as c.34C>T (p.Gln12*). ClinVar contains an entry for this variant (Variation ID: 18271). In summary, the available evidence is currently insufficient to determine the role of this variant in disease. Therefore, it has been classified as a Variant of Uncertain Significance.

Institute of Medical Genetics and Applied Genomics, University Hospital Tübingen
Classification: Pathogenic. Last evaluated: 2020-10-23. Review status: criteria provided, single submitter. Criteria: ACMG Guidelines, 2015. Collection method: clinical testing. Allele origin: germline. Inheritance: Autosomal recessive inheritance. Affected: yes.

Dubai Health Genomic Medicine Center, Dubai Health
Classification: Benign for Muscle AMP deaminase deficiency. Last evaluated: 2020-01-30. Review status: criteria provided, single submitter. Criteria: ACMG Guidelines, 2015. Collection method: clinical testing. Allele origin: germline. Affected: yes.

Centre for Mendelian Genomics, University Medical Centre Ljubljana
Classification: Uncertain significance for Muscle AMP deaminase deficiency. Last evaluated: 2019-03-21. Review status: criteria provided, single submitter. Criteria: ACMG Guidelines, 2015. Collection method: clinical testing. Allele origin: unknown. Affected: yes.
Comment: This variant was classified as: Uncertain significance. The available evidence favors the pathogenic nature of this variant, however the currently available data is insufficient to conclusively support its pathogenic nature. Thus this variant is classified as Uncertain significance - favor pathogenic. The following ACMG criteria were applied in classifying this variant: PS1,PS3,PP4,BA1,BS2.

Eurofins Ntd Llc (ga)
Classification: other. Last evaluated: 2018-02-07. Review status: criteria provided, single submitter. Criteria: EGL Classification Definitions 2015. Collection method: clinical testing. Allele origin: germline. Observed: 199 variant alleles, 165 heterozygotes, 33 homozygotes.

Neuberg Centre For Genomic Medicine, NCGM
Classification: Uncertain significance for Muscle AMP deaminase deficiency. Review status: criteria provided, single submitter. Criteria: ACMG Guidelines, 2015. Collection method: clinical testing. Allele origin: germline. Inheritance: Autosomal recessive inheritance. Affected: yes.
Comment: The observed stop gained c.34C>T (p.Gln12Ter) variant in AMPD1 gene has been previously reported in multiple individuals affected with AMPD1-related disorders (Castro-Gago et al., 2011; Kalsi et al., 2003; Rannou et al., 2017). It has also been observed to segregate with disease in related individuals. Functional studies evaluated an impact on protein function and this variant results in decreasing normal AMPD activity (Kalsi et al., 2003; Rannou et al., 2017). The p.Gln12Ter variant is present with allele frequency of 8.6% in gnomAD Exomes. This variant has been submitted to the ClinVar database as Benign/ Pathogenic/ Uncertain significance (multiple submissions). Computational evidence (MutationTaster - Polymorphism) predicts no damaging effect on protein structure and function for this variant. The reference amino acid of p.Gln12Ter in AMPD1 is predicted as conserved by GERP++ and PhyloP across 100 vertebrates. This sequence change creates a premature translational stop signal (p.Gln12Ter) in the AMPD1 gene. This variant is predicted to cause loss of normal protein function through protein truncation. However, the current clinical and genetic evidence is not sufficient to establish whether loss-of-function variants in AMPD1 cause disease. Since the variant is also present in asymptomatic individuals, additional functional studies will be required to prove the pathogenicity of this variant. For these reasons, this variant has been classified as a Variant of Uncertain Significance (VUS).

PreventionGenetics, part of Exact Sciences
Classification: Likely benign for AMPD1-related condition. Last evaluated: 2023-12-01. Review status: no assertion criteria provided. Collection method: clinical testing. Allele origin: germline. Not counted in ClinVar's aggregate classification.
Comment: This variant is classified as likely benign based on ACMG/AMP sequence variant interpretation guidelines (Richards et al. 2015 PMID: 25741868, with internal and published modifications).

NM_000036.3(AMPD1):c.34C>T (p.Gln12Ter)

Gene: AMPD1 (adenosine monophosphate deaminase 1; minus strand). Cytogenetic location: 1p13.2.
Variant type: single nucleotide variant.
Coding change: c.34C>T on transcript NM_000036.3 (MANE Select); coding-DNA position 34, C replaced by T.
Protein change: p.Gln12Ter; replaces glutamine 12 with a stop codon.
Molecular consequence: nonsense. On other transcripts: intron variant (1).
Genome position (GRCh38, 1-based): chr1:114,693,436, G>A on the plus strand (C>T on the coding strand, the complement: AMPD1 is on the minus strand). VCF-style: chr1-114693436-G-A. GRCh37 (hg19) VCF-style: chr1-115236057-G-A.
Other names: Q12*; c.22+2014C>T (NM_001172626.2); short protein forms Q45*.
Identifiers: ClinVar variation 18271 (VCV000018271.66), dbSNP rs17602729, ClinGen allele CA128022.